The following is an entry in ClinVar:

NM_000701.8(ATP1A1):c.1645G>A (p.Gly549Arg)

Genes: ATP1A1 (ATPase Na+/K+ transporting subunit alpha 1; plus strand), ATP1A1-AS1 (ATP1A1 antisense RNA 1; minus strand). Cytogenetic location: 1p13.1.
Variant type: single nucleotide variant.
Coding change: c.1645G>A on transcript NM_000701.8 (MANE Select); coding-DNA position 1645, G replaced by A.
Protein change: p.Gly549Arg; replaces glycine 549 with arginine.
Molecular consequence: missense variant.
Genome position (GRCh38, 1-based): chr1:116,393,708, G>A. VCF-style: chr1-116393708-G-A. GRCh37 (hg19) VCF-style: chr1-116936330-G-A.
Other names: chr1-116393708-G-A; p.Gly549Arg; c.1645G>A (NM_000701.7); c.[1645G>A] (NM_000701.7); c.1645G>A, p.Gly549Arg (NM_001160233.2); c.1552G>A, p.Gly518Arg (NM_001160234.2); short protein forms G518R, G549R.
Identifiers: ClinVar variation 1299690 (VCV001299690.62), dbSNP rs2101052251, ClinGen allele CA341771276.

ClinVar aggregate classification (germline): Pathogenic/Likely pathogenic. Review status: criteria provided, multiple submitters, no conflicts (2 of 4 stars). 8 submissions from 8 submitters: Pathogenic (2); Likely pathogenic (4). 2 of the submissions do not count toward it. Last evaluated 2026-04-09.

Conditions:
Charcot-Marie-tooth disease, axonal, type 2DD. Also called: CHARCOT-MARIE-TOOTH NEUROPATHY, TYPE 2DD. Identifiers: Orphanet 521414, MedGen C4747974, MONDO:0054833, OMIM 618036.
ATP1A1-related disorder. Also called: ATP1A1-related condition.

Submissions (8):

PreventionGenetics, part of Exact Sciences
Classification: Likely pathogenic for ATP1A1-related condition. Last evaluated: 2026-04-09. Review status: criteria provided, single submitter. Criteria: ACMG Guidelines, 2015. Collection method: clinical testing. Allele origin: germline.
Comment: The ATP1A1 c.1645G>A variant is predicted to result in the amino acid substitution p.Gly549Arg. This variant has been reported in individuals with Charcot-Marie-Tooth disease (Supp. Table S2A, Taghizadeh et al. 2020. PubMed ID: 32657593; Figueiredo et al. 2024. PubMed ID: 38375759) and was reported to segregate in two family members (Argente-Escrig et al. 2021. PubMed ID: 34323022). This variant has not been reported in a large population database (gnomAD), indicating this variant is rare. This variant is interpreted as likely pathogenic.

Women's Health and Genetics/Laboratory Corporation of America, LabCorp
Classification: Likely pathogenic for Charcot-Marie-tooth disease, axonal, type 2DD. Last evaluated: 2025-05-28. Review status: criteria provided, single submitter. Criteria: LabCorp Variant Classification Summary - May 2015. Collection method: clinical testing. Allele origin: germline.
Comment: Variant summary: ATP1A1 c.1645G>A (p.Gly549Arg) results in a non-conservative amino acid change in the encoded protein sequence. Algorithms developed to predict the effect of missense changes on protein structure and function all suggest that this variant is likely to be disruptive. The variant was absent in 250770 control chromosomes. c.1645G>A has been observed as heterozygous genotype in individuals affected with Charcot-marie-tooth disease, axonal, type 2DD (Taghizadeh_2020, Argente-Escrig_2021, Figueiredo_2024). These data indicate that the variant is likely to be associated with disease. To our knowledge, no experimental evidence demonstrating an impact on protein function has been reported. The following publications have been ascertained in the context of this evaluation (PMID: 34323022, 38375759, 32657593). ClinVar contains an entry for this variant (Variation ID: 1299690). Based on the evidence outlined above, the variant was classified as likely pathogenic.

Labcorp Genetics (formerly Invitae), Labcorp
Classification: Pathogenic. Last evaluated: 2025-01-30. Review status: criteria provided, single submitter. Criteria: Invitae Variant Classification Sherloc (09022015). Collection method: clinical testing. Allele origin: germline.
Comment: This sequence change replaces glycine, which is neutral and non-polar, with arginine, which is basic and polar, at codon 549 of the ATP1A1 protein (p.Gly549Arg). This variant is not present in population databases (gnomAD no frequency). This missense change has been observed in individuals with clinical features of Charcot-Marie-Tooth disease (internal data). It has also been observed to segregate with disease in related individuals. ClinVar contains an entry for this variant (Variation ID: 1299690). Invitae Evidence Modeling of protein sequence and biophysical properties (such as structural, functional, and spatial information, amino acid conservation, physicochemical variation, residue mobility, and thermodynamic stability) indicates that this missense variant is expected to disrupt ATP1A1 protein function with a positive predictive value of 95%. For these reasons, this variant has been classified as Pathogenic.

GeneDx
Classification: Pathogenic. Last evaluated: 2023-08-26. Review status: criteria provided, single submitter. Criteria: GeneDx Variant Classification Process June 2021. Collection method: clinical testing. Allele origin: germline. Affected: yes.
Comment: Not observed at significant frequency in large population cohorts (gnomAD); In silico analysis supports that this missense variant has a deleterious effect on protein structure/function; This variant is associated with the following publications: (PMID: 32657593, 36738336, 34323022)

CeGaT Center for Human Genetics Tuebingen
Classification: Likely pathogenic. Last evaluated: 2022-07-01. Review status: criteria provided, single submitter. Criteria: CeGaT Center For Human Genetics Tuebingen Variant Classification Criteria Version 2. Collection method: clinical testing. Allele origin: germline. Affected: yes. Observed: 1 variant allele.
Comment: ATP1A1: PM2, PS4:Moderate, PP2, PP3, PP4

Blueprint Genetics
Classification: Likely pathogenic for ATP1A1-related disorders. Last evaluated: 2021-08-25. Review status: criteria provided, single submitter. Criteria: ACMG Guidelines, 2015. Collection method: clinical testing. Allele origin: germline. Affected: yes. Observed: 2 variant alleles.

Laboratório de Neurologia Aplicada e Experimental, Faculdade de Medicina de Ribeirao Preto – Universidade de Sao Paulo
Classification: Uncertain significance for Charcot-Marie-tooth disease, axonal, type 2DD. Last evaluated: 2021-07-20. Review status: flagged submission. Criteria: ACMG Guidelines, 2015. Collection method: research. Allele origin: germline. Inheritance: Autosomal dominant inheritance. Affected: yes. Observed: 2 variant alleles, 2 heterozygotes. Not counted in ClinVar's aggregate classification.
Comment: The c.1645G>A (p.Gly549Arg) variant in the ATP1A1 gene has not been described in the literature to our knowledge. The ATP1A1 gene encodes the alpha-1 isoform of Na (+), K (+) - ATPase. An integral membrane protein is responsible for establishing and maintaining the electrochemical gradients of Na (+) and K (+) ions across the plasma membrane (NCBI[gene]). Variants in the ATP1A1 gene are responsible for the CMT2DD phenotype (OMIM: 618036). This variant replaces Glycine with Arginine at codon 549 of the ATP1A1 protein that is highly conserved across different species. This substitution occurs at an intracellular loop between transmembrane domains M4 and M5, which is extremely important because it is a region where ATP binding and ATP hydrolysis occur (PMID: 29499166). This variant is not present in population databases (GnomAD and ABraOM), suggesting it is not a common benign variant in these populations. In summary, the available evidence is insufficient to determine the clinical significance of this variant. Therefore, it has been classified as a variant of uncertain significance (VUS).
ClinVar note: Reason: Older claim that does not account for recent evidence

Neuberg Centre For Genomic Medicine, NCGM
Classification: Uncertain significance for Charcot-Marie-tooth disease, axonal, type 2DD. Review status: flagged submission. Criteria: ACMG Guidelines, 2015. Collection method: clinical testing. Allele origin: germline. Affected: yes. Not counted in ClinVar's aggregate classification.
Comment: The missense variant p.G549R in ATP1A1 (NM_000701.8) has not been reported previously as a pathogenic variant nor as a benign variant, to our knowledge. The p.G549R variant is novel (not in any individuals) in gnomAD Exomes and is novel (not in any individuals) in 1000 Genomes. The p.G549R missense variant is predicted to be damaging by both SIFT and PolyPhen2. The glycine residue at codon 549 of ATP1A1 is conserved in all mammalian species. The nucleotide c.1645 in ATP1A1 is predicted conserved by GERP++ and PhyloP across 100 vertebrates. For these reasons, this variant has been classified as Uncertain Significance.
ClinVar note: Reason: Older claim that does not account for recent evidence

Literature cited by the submitters: PubMed 34323022 (cited by Women's Health and Genetics/Laboratory Corporation of America, LabCorp); PubMed 38375759 (cited by Women's Health and Genetics/Laboratory Corporation of America, LabCorp); PubMed 32657593 (cited by Women's Health and Genetics/Laboratory Corporation of America, LabCorp); PubMed 29499166 (cited by Laboratório de Neurologia Aplicada e Experimental, Faculdade de Medicina de Ribeirao Preto – Universidade de Sao Paulo).